The following is an entry in ClinVar:

NM_203446.3(SYNJ1):c.2708C>G (p.Ser903Cys)

Gene: SYNJ1 (synaptojanin 1; minus strand). Cytogenetic location: 21q22.11.
Variant type: single nucleotide variant.
Coding change: c.2708C>G on transcript NM_203446.3 (MANE Select); coding-DNA position 2708, C replaced by G.
Protein change: p.Ser903Cys; replaces serine 903 with cysteine.
Molecular consequence: missense variant.
Genome position (GRCh38, 1-based): chr21:32,656,774, G>C on the plus strand (C>G on the coding strand, the complement: SYNJ1 is on the minus strand). VCF-style: chr21-32656774-G-C. GRCh37 (hg19) VCF-style: chr21-34029084-G-C.
Other names: c.2708C>G, p.Ser903Cys (NM_001160302.2); c.2693C>G, p.Ser898Cys (NM_001160306.2); c.2825C>G, p.Ser942Cys (NM_003895.4); short protein forms S942C, S898C, S903C.
Identifiers: ClinVar variation 945946 (VCV000945946.8), dbSNP rs373328306, ClinGen allele CA410073582.
Genomic context (GRCh38, chr21:32,656,774, plus strand): 5'-GCAAACTGCTGCAGAAGCTCATCAATCAAGGCATCATCAAAAAAATTATTTTCTGGTAAA[G>C]AACTTTTGATTGAGACCAATACTGTACCATCTGGTGGACCCTGAACTGCAATTACTTCTT-3'
Protein context (NP_982271.3, residues 893-913): DGTVLVSIKS[Ser903Cys]LPENNFFDDA

ClinVar aggregate classification (germline): Uncertain significance (1 of 4 stars; one submission).

Conditions:
Early-onset Parkinson disease 20. Also called: PARKINSON DISEASE 20, AUTOSOMAL RECESSIVE EARLY-ONSET. Identifiers: Orphanet 391411, MedGen C3809824, MONDO:0014233, OMIM 615530.
Developmental and epileptic encephalopathy, 53. Also called: Epileptic encephalopathy, early infantile, 53. Identifiers: MedGen C4479313, MONDO:0033362, OMIM 617389.

Allele frequency attached by ClinVar (database versions not stated): TOPMed 0.00003.
gnomAD v4.1: 3 of 1,613,976 alleles (0.00019%); highest among the groups gnomAD compares: Admixed American, 0.005%; no homozygotes.

Submission:

Labcorp Genetics (formerly Invitae), Labcorp
Classification: Uncertain significance for Developmental and epileptic encephalopathy, 53; Early-onset Parkinson disease 20. Last evaluated: 2024-12-03. Review status: criteria provided, single submitter. Criteria: Invitae Variant Classification Sherloc (09022015). Collection method: clinical testing. Allele origin: germline.
Comment: This sequence change replaces serine, which is neutral and polar, with cysteine, which is neutral and slightly polar, at codon 942 of the SYNJ1 protein (p.Ser942Cys). This variant is present in population databases (no rsID available, gnomAD 0.003%). This variant has not been reported in the literature in individuals affected with SYNJ1-related conditions. ClinVar contains an entry for this variant (Variation ID: 945946). Invitae Evidence Modeling of protein sequence and biophysical properties (such as structural, functional, and spatial information, amino acid conservation, physicochemical variation, residue mobility, and thermodynamic stability) indicates that this missense variant is not expected to disrupt SYNJ1 protein function with a negative predictive value of 80%. In summary, the available evidence is currently insufficient to determine the role of this variant in disease. Therefore, it has been classified as a Variant of Uncertain Significance.